The following is an entry in ClinVar:

NM_017721.5(CC2D1A):c.2454+1G>A

Gene: CC2D1A (coiled-coil and C2 domain containing 1A; plus strand). Cytogenetic location: 19p13.12.
Variant type: single nucleotide variant.
Coding change: c.2454+1G>A on transcript NM_017721.5 (MANE Select); the canonical splice donor site of the intron after coding-DNA position 2454, G replaced by A.
Molecular consequence: splice donor variant.
Genome position (GRCh38, 1-based): chr19:13,928,031, G>A. VCF-style: chr19-13928031-G-A. GRCh37 (hg19) VCF-style: chr19-14038844-G-A.
Other names: c.2454+1G>A (NM_001411138.1).
Identifiers: ClinVar variation 2732136 (VCV002732136.4), dbSNP rs778834041, ClinGen allele CA9245064.
Genomic context (GRCh38, chr19:13,928,031, plus strand): 5'-TTGGAGACGACGACAGAGAGGTGGCTGGTCATTGACCCTGTGCCGGCAGCTGTGCCCACA[G>A]TGAGACCCCCCACCCCCACCCATCAGCAACCCCAGGGAGGGAAGCTTGGTTCAGGGGCCC-3'

ClinVar aggregate classification (germline): Likely pathogenic. Review status: criteria provided, multiple submitters, no conflicts (2 of 4 stars). 2 submissions from 2 submitters: Likely pathogenic (2). Last evaluated 2026-02-13.

Conditions:
Intellectual developmental disorder, autosomal recessive 3. Also called: Intellectual disability, autosomal recessive 3. Identifiers: Orphanet 88616, MedGen C1838023, MONDO:0012037, OMIM 608443.

Allele frequency attached by ClinVar (database versions not stated): TOPMed below 0.00001; gnomAD 0.00001; gnomAD exomes 0.00001; ExAC 0.00002.

Submissions (2):

OLLIN Analises Genomicas, OLLIN
Classification: Likely pathogenic for Intellectual developmental disorder, autosomal recessive 3. Last evaluated: 2026-02-13. Review status: criteria provided, single submitter. Criteria: ACMG Guidelines 2015 PMID 25741868. Collection method: clinical testing. Allele origin: germline. Observed: 1 variant allele.
Comment: PVS1, PM2_P

Labcorp Genetics (formerly Invitae), Labcorp
Classification: Likely pathogenic. Last evaluated: 2024-03-01. Review status: criteria provided, single submitter. Criteria: Invitae Variant Classification Sherloc (09022015). Collection method: clinical testing. Allele origin: germline.
Comment: This sequence change affects a donor splice site in intron 23 of the CC2D1A gene. It is expected to disrupt RNA splicing. Variants that disrupt the donor or acceptor splice site typically lead to a loss of protein function (PMID: 16199547), and loss-of-function variants in CC2D1A are known to be pathogenic (PMID: 16033914). This variant is present in population databases (rs778834041, gnomAD 0.006%). This variant has not been reported in the literature in individuals affected with CC2D1A-related conditions. Algorithms developed to predict the effect of sequence changes on RNA splicing suggest that this variant may disrupt the consensus splice site. In summary, the currently available evidence indicates that the variant is pathogenic, but additional data are needed to prove that conclusively. Therefore, this variant has been classified as Likely Pathogenic.

Literature cited by the submitters: PubMed 16199547 (cited by Labcorp Genetics (formerly Invitae), Labcorp); PubMed 16033914 (cited by Labcorp Genetics (formerly Invitae), Labcorp).